The following is an entry in ClinVar:

NM_006206.6(PDGFRA):c.892G>A (p.Glu298Lys)

Gene: PDGFRA (platelet derived growth factor receptor alpha; plus strand). Cytogenetic location: 4q12.
Variant type: single nucleotide variant.
Coding change: c.892G>A on transcript NM_006206.6 (MANE Select); coding-DNA position 892, G replaced by A.
Protein change: p.Glu298Lys; replaces glutamic acid 298 with lysine.
Molecular consequence: missense variant.
Genome position (GRCh38, 1-based): chr4:54,267,421, G>A. VCF-style: chr4-54267421-G-A. GRCh37 (hg19) VCF-style: chr4-55133588-G-A.
Other names: c.892G>A, p.Glu298Lys (NM_001347827.2, NM_001347829.2); c.967G>A, p.Glu323Lys (NM_001347828.2); c.931G>A, p.Glu311Lys (NM_001347830.2); short protein forms E311K, E323K, E298K.
Identifiers: ClinVar variation 862699 (VCV000862699.10), dbSNP rs1723093215, ClinGen allele CA356891330.

ClinVar aggregate classification (germline): Uncertain significance (1 of 4 stars; one submission).

Conditions:
Gastrointestinal stromal tumor. Also called: Gastrointestinal stromal tumor, somatic; Gastrointestinal stroma tumor. Identifiers: Orphanet 44890, MedGen C0238198, MeSH D046152, MONDO:0011719, OMIM 606764, HP:0100723.

Submission:

Labcorp Genetics (formerly Invitae), Labcorp
Classification: Uncertain significance for Gastrointestinal stromal tumor. Last evaluated: 2026-01-11. Review status: criteria provided, single submitter. Criteria: Invitae Variant Classification Sherloc (09022015). Collection method: clinical testing. Allele origin: germline.
Comment: This sequence change replaces glutamic acid, which is acidic and polar, with lysine, which is basic and polar, at codon 298 of the PDGFRA protein (p.Glu298Lys). This variant is not present in population databases (gnomAD no frequency). This variant has not been reported in the literature in individuals affected with PDGFRA-related conditions. ClinVar contains an entry for this variant (Variation ID: 862699). Invitae Evidence Modeling of protein sequence and biophysical properties (such as structural, functional, and spatial information, amino acid conservation, physicochemical variation, residue mobility, and thermodynamic stability) indicates that this missense variant is not expected to disrupt PDGFRA protein function with a negative predictive value of 80%. In summary, the available evidence is currently insufficient to determine the role of this variant in disease. Therefore, it has been classified as a Variant of Uncertain Significance.